The following is an entry in ClinVar:

NM_001851.6(COL9A1):c.335C>T (p.Ser112Phe)

Gene: COL9A1 (collagen type IX alpha 1 chain; minus strand). Cytogenetic location: 6q13.
Variant type: single nucleotide variant.
Coding change: c.335C>T on transcript NM_001851.6 (MANE Select); coding-DNA position 335, C replaced by T.
Protein change: p.Ser112Phe; replaces serine 112 with phenylalanine.
Molecular consequence: missense variant.
Genome position (GRCh38, 1-based): chr6:70,294,528, G>A on the plus strand (C>T on the coding strand, the complement: COL9A1 is on the minus strand). VCF-style: chr6-70294528-G-A. GRCh37 (hg19) VCF-style: chr6-71004231-G-A.
Other names: c.335C>T, p.Ser112Phe (NM_001377291.1); short protein forms S112F.
Identifiers: ClinVar variation 1716556 (VCV001716556.5), dbSNP rs1773781375, ClinGen allele CA364672097.

ClinVar aggregate classification (germline): Uncertain significance (1 of 4 stars; one submission).

Submission:

Labcorp Genetics (formerly Invitae), Labcorp
Classification: Uncertain significance. Last evaluated: 2022-08-16. Review status: criteria provided, single submitter. Criteria: Invitae Variant Classification Sherloc (09022015). Collection method: clinical testing. Allele origin: germline.
Comment: This sequence change replaces serine, which is neutral and polar, with phenylalanine, which is neutral and non-polar, at codon 112 of the COL9A1 protein (p.Ser112Phe). This variant is not present in population databases (gnomAD no frequency). This variant has not been reported in the literature in individuals affected with COL9A1-related conditions. Advanced modeling of protein sequence and biophysical properties (such as structural, functional, and spatial information, amino acid conservation, physicochemical variation, residue mobility, and thermodynamic stability) performed at Invitae indicates that this missense variant is not expected to disrupt COL9A1 protein function. In summary, the available evidence is currently insufficient to determine the role of this variant in disease. Therefore, it has been classified as a Variant of Uncertain Significance.